The following is an entry in ClinVar:

NM_002303.6(LEPR):c.2598A>C (p.Arg866Ser)

Gene: LEPR (leptin receptor; plus strand). Cytogenetic location: 1p31.3.
Variant type: single nucleotide variant.
Coding change: c.2598A>C on transcript NM_002303.6 (MANE Select); coding-DNA position 2598, A replaced by C.
Protein change: p.Arg866Ser; replaces arginine 866 with serine.
Molecular consequence: missense variant.
Genome position (GRCh38, 1-based): chr1:65,622,906, A>C. VCF-style: chr1-65622906-A-C. GRCh37 (hg19) VCF-style: chr1-66088589-A-C.
Other names: c.2598A>C, p.Arg866Ser (NM_001003679.3, NM_001003680.3, NM_001198687.2 and 2 more transcripts); short protein forms R866S.
Identifiers: ClinVar variation 4988901 (VCV004988901.1).
Genomic context (GRCh38, chr1:65,622,906, plus strand): 5'-GTTCACATTTTCAATATGGATGTTTTTCTCTAATTTTGATGCCCTGTTTATCCTTTGTAG[A>C]ATGAAAAAGCTATTTTGGGAAGATGTTCCGAACCCCAAGAATTGTTCCTGGGCACAAGGA-3'
Protein context (NP_002294.2, residues 856-876): LLGTLLISHQ[Arg866Ser]MKKLFWEDVP

ClinVar aggregate classification (germline): Uncertain significance (1 of 4 stars; one submission).

Conditions:
LEPR-related disorder. Also called: LEPR-related disorders; LEPR-related condition.

gnomAD v4.1: 6 of 1,613,950 alleles (0.00037%); highest among the groups gnomAD compares: Non-Finnish European, 0.00051%; no homozygotes.

Submission:

PreventionGenetics, part of Exact Sciences
Classification: Uncertain significance for LEPR-related condition. Last evaluated: 2026-09-09. Review status: criteria provided, single submitter. Criteria: ACMG Guidelines, 2015. Collection method: clinical testing. Allele origin: germline.
Comment: The LEPR c.2598A>C variant is predicted to result in the amino acid substitution p.Arg866Ser. To our knowledge, this variant has not been reported in individuals with obesity in the literature. An in vitro functional study showed function similar to wild-type levels (Supplemental Data Set 2, Shah et al. 2023. PubMed ID: 36864747). This variant has not been reported in the literature or in a large population database (gnomAD), indicating this variant is rare. At this time, the clinical significance of this variant is uncertain due to the absence of conclusive functional and genetic evidence.